The following is an entry in ClinVar:

NM_004958.4(MTOR):c.2729G>A (p.Arg910Gln)

Gene: MTOR (mechanistic target of rapamycin kinase; minus strand). Cytogenetic location: 1p36.22.
Variant type: single nucleotide variant.
Coding change: c.2729G>A on transcript NM_004958.4 (MANE Select); coding-DNA position 2729, G replaced by A.
Protein change: p.Arg910Gln; replaces arginine 910 with glutamine.
Molecular consequence: missense variant.
Genome position (GRCh38, 1-based): chr1:11,230,975, C>T on the plus strand (G>A on the coding strand, the complement: MTOR is on the minus strand). VCF-style: chr1-11230975-C-T. GRCh37 (hg19) VCF-style: chr1-11291032-C-T.
Other names: c.2729G>A, p.Arg910Gln (NM_001386500.1); c.1481G>A, p.Arg494Gln (NM_001386501.1); c.2729G>A (NM_004958.3); short protein forms R910Q, R494Q.
Identifiers: ClinVar variation 1431948 (VCV001431948.9), dbSNP rs2100866102, ClinGen allele CA338380861.

ClinVar aggregate classification (germline): Uncertain significance. Review status: criteria provided, multiple submitters, no conflicts (2 of 4 stars). 2 submissions from 2 submitters: Uncertain significance (2). Last evaluated 2025-11-03.

Conditions:
Inborn genetic diseases. Identifiers: MedGen C0950123, MeSH D030342.

Allele frequency attached by ClinVar (database versions not stated): gnomAD exomes below 0.00001.
gnomAD v4.1: 6 of 1,614,096 alleles (0.00037%); highest among the groups gnomAD compares: Non-Finnish European, 0.00051%; no homozygotes.

Submissions (2):

Ambry Genetics
Classification: Uncertain significance for Inborn genetic diseases. Last evaluated: 2025-11-03. Review status: criteria provided, single submitter. Criteria: Ambry Variant Classification Scheme 2023. Collection method: clinical testing. Allele origin: germline.

Labcorp Genetics (formerly Invitae), Labcorp
Classification: Uncertain significance. Last evaluated: 2024-10-16. Review status: criteria provided, single submitter. Criteria: Invitae Variant Classification Sherloc (09022015). Collection method: clinical testing. Allele origin: germline.
Comment: This sequence change replaces arginine, which is basic and polar, with glutamine, which is neutral and polar, at codon 910 of the MTOR protein (p.Arg910Gln). This variant is not present in population databases (gnomAD no frequency). This variant has not been reported in the literature in individuals affected with MTOR-related conditions. ClinVar contains an entry for this variant (Variation ID: 1431948). Invitae Evidence Modeling of protein sequence and biophysical properties (such as structural, functional, and spatial information, amino acid conservation, physicochemical variation, residue mobility, and thermodynamic stability) indicates that this missense variant is not expected to disrupt MTOR protein function with a negative predictive value of 95%. In summary, the available evidence is currently insufficient to determine the role of this variant in disease. Therefore, it has been classified as a Variant of Uncertain Significance.